The following is an entry in ClinVar:

ClinVar aggregate classification (germline): Uncertain significance (1 of 4 stars; one submission).

Conditions:
Macrocephaly, acquired, with impaired intellectual development. Also called: MACROCEPHALY, ACQUIRED, WITH MENTAL RETARDATION. Identifiers: MedGen C4748993, MONDO:0032658, OMIM 618286.

Submission:

Victorian Clinical Genetics Services, Murdoch Childrens Research Institute
Classification: Uncertain significance for Macrocephaly, acquired, with impaired intellectual development. Last evaluated: 2020-10-19. Review status: criteria provided, single submitter. Criteria: ACMG Guidelines, 2015. Collection method: clinical testing. Allele origin: germline. Inheritance: Autosomal dominant inheritance. Affected: yes.
Comment: Based on the classification scheme VCGS_Germline_v1.3.3, this variant is classified as VUS – 3B. Following criteria are met: 0102 - Loss of function is a known mechanism of disease in this gene and is associated with macrocephaly, acquired, with impaired intellectual development (MIM#618286). (I) 0107 - This gene is associated with autosomal dominant disease. (I) 0200 - Variant is predicted to result in a missense amino acid change from tyrosine to cysteine. (I) 0251 - This variant is heterozygous. (I) 0301 - Variant is absent from gnomAD (both v2 and v3). (SP) 0501 - Missense variant consistently predicted to be damaging by multiple in silico tools or highly conserved with a major amino acid change. (SP) 0600 - Variant is located in the annotated NfI_DNAbd_pre-N domain (NCBI). (I) 0705 - No comparable missense variants have previous evidence for pathogenicity. (I) 0807 - This variant has no previous evidence of pathogenicity. (I) 0905 - No published segregation evidence has been identified for this variant. (I) 1007 - No published functional evidence has been identified for this variant. (I) 1208 - Inheritance information for this variant is not currently available in this individual. (I) Legend: (SP) - Supporting pathogenic, (I) - Information, (SB) - Supporting benign

NM_001190737.2(NFIB):c.86A>G (p.Tyr29Cys)

Gene: NFIB (nuclear factor I B; minus strand). Cytogenetic location: 9p22.3.
Variant type: single nucleotide variant.
Coding change: c.86A>G on transcript NM_001190737.2 (MANE Select); coding-DNA position 86, A replaced by G.
Protein change: p.Tyr29Cys; replaces tyrosine 29 with cysteine.
Molecular consequence: missense variant. On other transcripts: 5 prime UTR variant (1).
Genome position (GRCh38, 1-based): chr9:14,307,465, T>C on the plus strand (A>G on the coding strand, the complement: NFIB is on the minus strand). VCF-style: chr9-14307465-T-C. GRCh37 (hg19) VCF-style: chr9-14307464-T-C.
Other names: c.164A>G, p.Tyr55Cys (NM_001190738.2); c.152A>G, p.Tyr51Cys (NM_001369458.1, NM_001369459.1, NM_001369462.1 and 1 more transcripts); c.74A>G, p.Tyr25Cys (NM_001369460.1, NM_001369463.1, NM_001369466.1 and 4 more transcripts); c.86A>G, p.Tyr29Cys (NM_001369461.1, NM_001369464.1, NM_001369471.1 and 4 more transcripts); c.59A>G, p.Tyr20Cys (NM_001369465.1, NM_001369467.1, NM_001369476.1); c.-59A>G (NM_001369469.1); c.71A>G, p.Tyr24Cys (NM_001369474.1); short protein forms Y20C, Y24C, Y25C, Y29C, Y51C, Y55C.
Identifiers: ClinVar variation 1805840 (VCV001805840.1), dbSNP rs2538994371, ClinGen allele CA373090900.